The following is an entry in ClinVar:

ClinVar aggregate classification (germline): Benign (1 of 4 stars; one submission).

Conditions:
Cenani-Lenz syndactyly syndrome. Also called: CENANI SYNDACTYLISM; SYNDACTYLY, TYPE VII. Identifiers: Orphanet 3258, MedGen C1859309, MONDO:0008931, OMIM 212780.

Allele frequency attached by ClinVar (database versions not stated): TOPMed 0.00013; gnomAD 0.00016 and 0.00025; 1000 Genomes Project 30x 0.00078; 1000 Genomes Project 0.00080.

Submission:

Illumina Laboratory Services, Illumina
Classification: Benign for Cenani-Lenz syndactyly syndrome. Last evaluated: 2017-04-27. Review status: criteria provided, single submitter. Criteria: ICSL Variant Classification Criteria 13 December 2019. Collection method: clinical testing. Allele origin: germline.
Comment: This variant was observed as part of a predisposition screen in an ostensibly healthy population. A literature search was performed for the gene, cDNA change, and amino acid change (where applicable). No publications were found based on this search. Allele frequency data from public databases was too high to be consistent with this variant causing disease. Therefore, this variant is classified as benign.

NM_002334.4(LRP4):c.*2252G>A

Genes: LRP4-AS1 (LRP4 antisense RNA 1; plus strand), LRP4 (LDL receptor related protein 4; minus strand). Cytogenetic location: 11p11.2.
Variant type: single nucleotide variant.
Coding change: c.*2252G>A on transcript NM_002334.4 (MANE Select); 2252 bases downstream of the stop codon, G replaced by A.
Molecular consequence: 3 prime UTR variant.
Genome position (GRCh38, 1-based): chr11:46,856,731, C>T on the plus strand (G>A on the coding strand, the complement: LRP4 is on the minus strand). VCF-style: chr11-46856731-C-T. GRCh37 (hg19) VCF-style: chr11-46878282-C-T.
Identifiers: ClinVar variation 878832 (VCV000878832.4), dbSNP rs188545674, ClinGen allele CA221658004.